The following is an entry in ClinVar:

NM_004360.5(CDH1):c.708A>G (p.Ser236=)

Gene: CDH1 (cadherin 1; plus strand). Cytogenetic location: 16q22.1.
Variant type: single nucleotide variant.
Coding change: c.708A>G on transcript NM_004360.5 (MANE Select); coding-DNA position 708, A replaced by G.
Protein change: p.Ser236=; no amino-acid change (serine 236 retained).
Molecular consequence: synonymous variant. On other transcripts: 5 prime UTR variant (2).
Genome position (GRCh38, 1-based): chr16:68,810,217, A>G. VCF-style: chr16-68810217-A-G. GRCh37 (hg19) VCF-style: chr16-68844120-A-G.
Other names: c.708A>G, p.Ser236= (NM_001317184.2); c.-908A>G (NM_001317185.2); c.-1112A>G (NM_001317186.2).
Identifiers: ClinVar variation 1109037 (VCV001109037.10), dbSNP rs863224398, ClinGen allele CA496152766.

ClinVar aggregate classification (germline): Benign/Likely benign. Review status: criteria provided, multiple submitters, no conflicts (2 of 4 stars). 2 submissions from 2 submitters: Benign (1); Likely benign (1). Last evaluated 2024-09-13.

Conditions:
Hereditary diffuse gastric adenocarcinoma (HDGC). Also called: DIFFUSE GASTRIC AND LOBULAR BREAST CANCER SYNDROME. Identifiers: Orphanet 26106, MedGen C1708349, MONDO:0007648, OMIM 137215.

Submissions (2):

Myriad Genetics, Inc.
Classification: Benign for Hereditary diffuse gastric adenocarcinoma. Last evaluated: 2024-09-13. Review status: criteria provided, single submitter. Criteria: Myriad Autosomal Dominant, Autosomal Recessive and X-Linked Classification Criteria (2023). Collection method: clinical testing. Allele origin: unknown.
Comment: This variant is considered benign. This variant is a silent/synonymous amino acid change and it is not expected to impact splicing.

Labcorp Genetics (formerly Invitae), Labcorp
Classification: Likely benign for Hereditary diffuse gastric adenocarcinoma. Last evaluated: 2023-11-20. Review status: criteria provided, single submitter. Criteria: Invitae Variant Classification Sherloc (09022015). Collection method: clinical testing. Allele origin: germline.